The following is an entry in ClinVar:

ClinVar aggregate classification (germline): Conflicting classifications of pathogenicity. Review status: criteria provided, conflicting classifications (1 of 4 stars). 2 submissions from 2 submitters: Uncertain significance (1); Likely benign (1). Last evaluated 2024-05-30.

Conditions:
Inborn genetic diseases. Identifiers: MedGen C0950123, MeSH D030342.

Allele frequency attached by ClinVar (database versions not stated): gnomAD exomes 0.00001; TOPMed 0.00001; gnomAD 0.00003.

Submissions (2):

Ambry Genetics
Classification: Uncertain significance for Inborn genetic diseases. Last evaluated: 2024-05-30. Review status: criteria provided, single submitter. Criteria: Ambry Variant Classification Scheme 2023. Collection method: clinical testing. Allele origin: germline.

CeGaT Center for Human Genetics Tuebingen
Classification: Likely benign. Last evaluated: 2024-03-01. Review status: criteria provided, single submitter. Criteria: CeGaT Center For Human Genetics Tuebingen Variant Classification Criteria Version 2. Collection method: clinical testing. Allele origin: germline. Affected: yes. Observed: 1 variant allele.
Comment: CHD3: BP4

NM_001005273.3(CHD3):c.4779G>A (p.Met1593Ile)

Gene: CHD3 (chromodomain helicase DNA binding protein 3; plus strand). Cytogenetic location: 17p13.1.
Variant type: single nucleotide variant.
Coding change: c.4779G>A on transcript NM_001005273.3 (MANE Select); coding-DNA position 4779, G replaced by A.
Protein change: p.Met1593Ile; replaces methionine 1593 with isoleucine.
Molecular consequence: missense variant.
Genome position (GRCh38, 1-based): chr17:7,907,238, G>A. VCF-style: chr17-7907238-G-A. GRCh37 (hg19) VCF-style: chr17-7810556-G-A.
Other names: c.4956G>A (NM_001005271.2); c.4956G>A, p.Met1652Ile (NM_001005271.3); c.4779G>A, p.Met1593Ile (NM_005852.4); short protein forms M1593I, M1652I.
Identifiers: ClinVar variation 3067329 (VCV003067329.22), dbSNP rs1162732075, ClinGen allele CA397947097.